The following is an entry in ClinVar:

NM_012401.4(PLXNB2):c.4604G>C (p.Arg1535Pro)

Gene: PLXNB2 (plexin B2; minus strand). Cytogenetic location: 22q13.33.
Variant type: single nucleotide variant.
Coding change: c.4604G>C on transcript NM_012401.4 (MANE Select); coding-DNA position 4604, G replaced by C.
Protein change: p.Arg1535Pro; replaces arginine 1535 with proline.
Molecular consequence: missense variant.
Genome position (GRCh38, 1-based): chr22:50,278,639, C>G on the plus strand (G>C on the coding strand, the complement: PLXNB2 is on the minus strand). VCF-style: chr22-50278639-C-G. GRCh37 (hg19) VCF-style: chr22-50717068-C-G.
Other names: c.4841G>C, p.Arg1614Pro (NM_001376864.1); c.4673G>C, p.Arg1558Pro (NM_001376865.1); c.4604G>C, p.Arg1535Pro (NM_001376866.1, NM_001376867.1, NM_001376868.1 and 14 more transcripts); c.4580G>C, p.Arg1527Pro (NM_001376883.1); c.4526G>C, p.Arg1509Pro (NM_001376884.1, NM_001376885.1); c.4511G>C, p.Arg1504Pro (NM_001376886.1); short protein forms R1504P, R1509P, R1527P, R1535P, R1558P, R1614P.
Identifiers: ClinVar variation 4278605 (VCV004278605.1).

ClinVar aggregate classification (germline): Uncertain significance (1 of 4 stars; one submission).

Submission:

GeneDx
Classification: Uncertain significance. Last evaluated: 2022-04-18. Review status: criteria provided, single submitter. Criteria: GeneDx Variant Classification Process June 2021. Collection method: clinical testing. Allele origin: germline. Affected: yes.
Comment: Not observed at significant frequency in large population cohorts (gnomAD); In silico analysis supports that this missense variant does not alter protein structure/function; Has not been previously published as pathogenic or benign to our knowledge; Variants in candidate genes are classified as variants of uncertain significance in accordance with ACMG guidelines (Richards et al., 2015)